The following is an entry in ClinVar:

ClinVar aggregate classification (germline): Uncertain significance. Review status: criteria provided, multiple submitters, no conflicts (2 of 4 stars). 4 submissions from 4 submitters: Uncertain significance (4). Last evaluated 2024-05-21.

Conditions:
Lynch syndrome. Identifiers: Orphanet 144, MedGen C4552100, MONDO:0005835. Disease mechanism: loss of function.
Hereditary nonpolyposis colorectal neoplasms. Identifiers: MedGen C0009405, MeSH D003123.
Hereditary cancer-predisposing syndrome. Also called: Neoplastic Syndromes, Hereditary; Tumor predisposition; Hereditary Cancer Syndrome; Hereditary neoplastic syndrome. Identifiers: Orphanet 140162, MedGen C0027672, MeSH D009386, MONDO:0015356.

Allele frequency attached by ClinVar (database versions not stated): TOPMed 0.00001.

Submissions (4):

Labcorp Genetics (formerly Invitae), Labcorp
Classification: Uncertain significance for Hereditary nonpolyposis colorectal neoplasms. Last evaluated: 2024-05-21. Review status: criteria provided, single submitter. Criteria: Invitae Variant Classification Sherloc (09022015). Collection method: clinical testing. Allele origin: germline.
Comment: This sequence change replaces methionine, which is neutral and non-polar, with isoleucine, which is neutral and non-polar, at codon 733 of the MSH6 protein (p.Met733Ile). This variant is not present in population databases (gnomAD no frequency). This variant has not been reported in the literature in individuals affected with MSH6-related conditions. ClinVar contains an entry for this variant (Variation ID: 483838). Advanced modeling of protein sequence and biophysical properties (such as structural, functional, and spatial information, amino acid conservation, physicochemical variation, residue mobility, and thermodynamic stability) has been performed at Invitae for this missense variant, however the output from this modeling did not meet the statistical confidence thresholds required to predict the impact of this variant on MSH6 protein function. In summary, the available evidence is currently insufficient to determine the role of this variant in disease. Therefore, it has been classified as a Variant of Uncertain Significance.

Color Diagnostics, LLC DBA Color Health
Classification: Uncertain significance for Hereditary cancer-predisposing syndrome. Last evaluated: 2024-03-06. Review status: criteria provided, single submitter. Criteria: ACMG Guidelines, 2015. Collection method: clinical testing. Allele origin: germline.
Comment: This missense variant replaces methionine with isoleucine at codon 733 of the MSH6 protein. Computational prediction suggests that this variant may have deleterious impact on protein structure and function (internally defined REVEL score threshold >= 0.7, PMID: 27666373). To our knowledge, functional studies have not been reported for this variant. This variant has not been reported in individuals affected with MSH6-related disorders in the literature. This variant has not been identified in the general population by the Genome Aggregation Database (gnomAD). The available evidence is insufficient to determine the role of this variant in disease conclusively. Therefore, this variant is classified as a Variant of Uncertain Significance.

All of Us Research Program, National Institutes of Health
Classification: Uncertain significance for Lynch syndrome. Last evaluated: 2023-05-16. Review status: criteria provided, single submitter. Criteria: ACMG Guidelines, 2015. Collection method: clinical testing. Allele origin: germline. Inheritance: Autosomal dominant inheritance. Observed: 1 variant allele, 1 heterozygote.
Comment: This missense variant replaces methionine with isoleucine at codon 733 of the MSH6 protein. Computational prediction suggests that this variant may have deleterious impact on protein structure and function (internally defined REVEL score threshold >= 0.7, PMID: 27666373). To our knowledge, functional studies have not been reported for this variant. This variant has not been reported in individuals affected with MSH6-related disorders in the literature. This variant has not been identified in the general population by the Genome Aggregation Database (gnomAD). The available evidence is insufficient to determine the role of this variant in disease conclusively. Therefore, this variant is classified as a Variant of Uncertain Significance.

This study involves interpretation of variants in research participants for the purpose of population health screening. Participant phenotype was not available at the time of variant classification. Additional details can be found in publication PMID: 35346344, PMCID: PMC8962531

Ambry Genetics
Classification: Uncertain significance for Hereditary cancer-predisposing syndrome. Last evaluated: 2022-10-27. Review status: criteria provided, single submitter. Criteria: Ambry Variant Classification Scheme 2023. Collection method: clinical testing. Allele origin: germline.
Comment: The p.M733I variant (also known as c.2199G>C), located in coding exon 4 of the MSH6 gene, results from a G to C substitution at nucleotide position 2199. The methionine at codon 733 is replaced by isoleucine, an amino acid with highly similar properties. This amino acid position is well conserved in available vertebrate species. In addition, this alteration is predicted to be deleterious by in silico analysis. Since supporting evidence is limited at this time, the clinical significance of this alteration remains unclear.

NM_000179.3(MSH6):c.2199G>C (p.Met733Ile)

Gene: MSH6 (mutS homolog 6; plus strand). Cytogenetic location: 2p16.3.
Variant type: single nucleotide variant.
Coding change: c.2199G>C on transcript NM_000179.3 (MANE Select); coding-DNA position 2199, G replaced by C.
Protein change: p.Met733Ile; replaces methionine 733 with isoleucine.
Molecular consequence: missense variant.
Genome position (GRCh38, 1-based): chr2:47,800,182, G>C. VCF-style: chr2-47800182-G-C. GRCh37 (hg19) VCF-style: chr2-48027321-G-C.
Other names: c.1809G>C, p.Met603Ile (NM_001281492.2); c.1293G>C, p.Met431Ile (NM_001281493.2, NM_001281494.2); short protein forms M733I, M603I, M431I.
Identifiers: ClinVar variation 483838 (VCV000483838.19), dbSNP rs1359474814, ClinGen allele CA346751357.
Genomic context (GRCh38, chr2:47,800,182, plus strand): 5'-TTCTGACACAGTCAGCACTACAAGATCTGGTGCTATCTTCACCAAAGCCTATCAACGAAT[G>C]GTGCTAGATGCAGTGACATTAAACAACTTGGAGATTTTTCTGAATGGAACAAATGGTTCT-3'
Protein context (NP_000170.1, residues 723-743): GAIFTKAYQR[Met733Ile]VLDAVTLNNL